The following is an entry in ClinVar:

NM_001868.4(CPA1):c.1217C>T (p.Ala406Val)

Gene: CPA1 (carboxypeptidase A1; plus strand). Cytogenetic location: 7q32.2.
Variant type: single nucleotide variant.
Coding change: c.1217C>T on transcript NM_001868.4 (MANE Select); coding-DNA position 1217, C replaced by T.
Protein change: p.Ala406Val; replaces alanine 406 with valine.
Molecular consequence: missense variant.
Genome position (GRCh38, 1-based): chr7:130,387,968, C>T. VCF-style: chr7-130387968-C-T. GRCh37 (hg19) VCF-style: chr7-130027809-C-T.
Other names: short protein forms A406V.
Identifiers: ClinVar variation 1446590 (VCV001446590.11), dbSNP rs186407335, ClinGen allele CA4485084.
Genomic context (GRCh38, chr7:130,387,968, plus strand): 5'-GCTATGGCTTCCTGCTGCCAGCCTCCCAGATCATCCCCACAGCCAAGGAGACGTGGCTGG[C>T]GCTTCTGACCATCATGGAGCACACCCTGAATCACCCCTACTGAGCTGACCCTTTGACACC-3'
Protein context (NP_001859.1, residues 396-416): IIPTAKETWL[Ala406Val]LLTIMEHTLN

ClinVar aggregate classification (germline): Uncertain significance. Review status: criteria provided, multiple submitters, no conflicts (2 of 4 stars). 2 submissions from 2 submitters: Uncertain significance (2). Last evaluated 2025-02-10.

Conditions:
Hereditary pancreatitis (PCTT). Also called: Hereditary chronic pancreatitis; PRSS1-Related Hereditary Pancreatitis. Identifiers: Orphanet 676, MedGen C0238339, MONDO:0008185, OMIM 167800.

Allele frequency attached by ClinVar (database versions not stated): gnomAD 0.00001; ExAC 0.00002; gnomAD exomes 0.00002; TOPMed 0.00002; ESP Exome Variant Server 0.00008; 1000 Genomes Project 30x 0.00031.
gnomAD v4.1: 28 of 1,614,136 alleles (0.0017%); highest among the groups gnomAD compares: South Asian, 0.0099%; no homozygotes.

Submissions (2):

Labcorp Genetics (formerly Invitae), Labcorp
Classification: Uncertain significance. Last evaluated: 2025-02-10. Review status: criteria provided, single submitter. Criteria: Invitae Variant Classification Sherloc (09022015). Collection method: clinical testing. Allele origin: germline.
Comment: This sequence change replaces alanine, which is neutral and non-polar, with valine, which is neutral and non-polar, at codon 406 of the CPA1 protein (p.Ala406Val). This variant is present in population databases (rs186407335, gnomAD 0.01%). This missense change has been observed in individual(s) with chronic pancreatitis (PMID: 23955596). ClinVar contains an entry for this variant (Variation ID: 1446590). Invitae Evidence Modeling of protein sequence and biophysical properties (such as structural, functional, and spatial information, amino acid conservation, physicochemical variation, residue mobility, and thermodynamic stability) has been performed for this missense variant. However, the output from this modeling did not meet the statistical confidence thresholds required to predict the impact of this variant on CPA1 protein function. Experimental studies have shown that this missense change affects CPA1 function (PMID: 23955596). In summary, the available evidence is currently insufficient to determine the role of this variant in disease. Therefore, it has been classified as a Variant of Uncertain Significance.

Ambry Genetics
Classification: Uncertain significance for Hereditary pancreatitis. Last evaluated: 2024-09-25. Review status: criteria provided, single submitter. Criteria: Ambry Variant Classification Scheme 2023. Collection method: clinical testing. Allele origin: germline.
Comment: The p.A406V variant (also known as c.1217C>T), located in coding exon 10 of the CPA1 gene, results from a C to T substitution at nucleotide position 1217. The alanine at codon 406 is replaced by valine, an amino acid with similar properties. This variant was identified in one individual with chronic pancreatitis and zero controls; in vitro studies demonstrated reduced apparent CPA1 activity and secretion levels compared to wild type of 0% and 87%, respectively (Witt H et al. Nat Genet, 2013 Oct;45:1216-20). This amino acid position is not well conserved in available vertebrate species. In addition, this alteration is predicted to be tolerated by in silico analysis. Based on the available evidence, the clinical significance of this variant remains unclear.

Literature cited by the submitters: PubMed 23955596 (cited by Labcorp Genetics (formerly Invitae), Labcorp and Ambry Genetics).